The following is an entry in ClinVar:

NM_001127217.3(SMAD9):c.217C>T (p.Arg73Cys)

Gene: SMAD9 (SMAD family member 9; minus strand). Cytogenetic location: 13q13.3.
Variant type: single nucleotide variant.
Coding change: c.217C>T on transcript NM_001127217.3 (MANE Select); coding-DNA position 217, C replaced by T.
Protein change: p.Arg73Cys; replaces arginine 73 with cysteine.
Molecular consequence: missense variant.
Genome position (GRCh38, 1-based): chr13:36,879,473, G>A on the plus strand (C>T on the coding strand, the complement: SMAD9 is on the minus strand). VCF-style: chr13-36879473-G-A. GRCh37 (hg19) VCF-style: chr13-37453610-G-A.
Other names: c.217C>T, p.Arg73Cys (NM_001378621.1, NM_005905.6); short protein forms R73C.
Identifiers: ClinVar variation 2913991 (VCV002913991.2), dbSNP rs11545112, ClinGen allele CA6950620.

ClinVar aggregate classification (germline): Conflicting classifications of pathogenicity. Review status: criteria provided, conflicting classifications (1 of 4 stars). 2 submissions from 2 submitters: Uncertain significance (1); Likely benign (1). Last evaluated 2023-12-02.

Conditions:
Pulmonary hypertension, primary, 2. Identifiers: Orphanet 422, MedGen C3888002, MONDO:0014134, OMIM 615342.

Allele frequency attached by ClinVar (database versions not stated): ExAC 0.00005; ESP Exome Variant Server 0.00008; 1000 Genomes Project 0.00120; 1000 Genomes Project 30x 0.00125.
gnomAD v4.1: 127 of 1,613,816 alleles (0.0079%); highest among the groups gnomAD compares: Admixed American, 0.055%; no homozygotes.

Submissions (2):

Labcorp Genetics (formerly Invitae), Labcorp
Classification: Uncertain significance for Pulmonary hypertension, primary, 2. Last evaluated: 2023-12-02. Review status: criteria provided, single submitter. Criteria: Invitae Variant Classification Sherloc (09022015). Collection method: clinical testing. Allele origin: germline.
Comment: This sequence change replaces arginine, which is basic and polar, with cysteine, which is neutral and slightly polar, at codon 73 of the SMAD9 protein (p.Arg73Cys). This variant is present in population databases (rs11545112, gnomAD 0.04%), and has an allele count higher than expected for a pathogenic variant. This variant has not been reported in the literature in individuals affected with SMAD9-related conditions. Advanced modeling of protein sequence and biophysical properties (such as structural, functional, and spatial information, amino acid conservation, physicochemical variation, residue mobility, and thermodynamic stability) performed at Invitae indicates that this missense variant is expected to disrupt SMAD9 protein function with a positive predictive value of 80%. In summary, the available evidence is currently insufficient to determine the role of this variant in disease. Therefore, it has been classified as a Variant of Uncertain Significance.

Blueprint Genetics
Classification: Likely benign. Last evaluated: 2022-01-06. Review status: criteria provided, single submitter. Criteria: ACMG Guidelines, 2015. Collection method: clinical testing. Allele origin: germline.